The following is an entry in ClinVar:

NC_000006.11:g.(?_118879986)_(118880253_?)dup

Genes: CEP85L (centrosomal protein 85L; minus strand), PLN (phospholamban; plus strand). Cytogenetic location: 6q22.31.
Variant type: Duplication.
Identifiers: ClinVar variation 1046834 (VCV001046834.1).

ClinVar aggregate classification (germline): Uncertain significance (1 of 4 stars; one submission).

Conditions:
Dilated cardiomyopathy 1P (CMD1P). Identifiers: Orphanet 154, MedGen C1835928, MONDO:0012362, OMIM 609909.

Submission:

Labcorp Genetics (formerly Invitae), Labcorp
Classification: Uncertain significance for Dilated cardiomyopathy 1P. Last evaluated: 2020-10-09. Review status: criteria provided, single submitter. Criteria: Invitae Variant Classification Sherloc (09022015). Collection method: clinical testing. Allele origin: germline.
Comment: This variant results in a copy number gain of the genomic region encompassing the full coding sequence of the PLN gene. The boundaries of this event are unknown as they extend beyond the assayed region for this gene and therefore may encompass additional genes. As the precise location of this event is unknown, it may be in tandem or it may be located elsewhere in the genome. A similar duplication encompassing the whole PLN gene has been reported in an individual affected with dilated cardiomyopathy (PMID: 24451198). Experimental studies and prediction algorithms are not available for this variant, and the functional significance of this duplication is currently unknown. In summary, the exact genomic location of this variant is unknown and the impact of this duplication on PLN protein function has not been established. Therefore, it has been classified as a Variant of Uncertain Significance.

Literature cited by the submitters: PubMed 24451198.